The following is an entry in ClinVar:

ClinVar aggregate classification (germline): Pathogenic (1 of 4 stars; one submission).

Conditions:
Oligodontia-cancer predisposition syndrome. Also called: TOOTH AGENESIS-COLORECTAL CANCER SYNDROME. Identifiers: Orphanet 300576, MedGen C1837750, MONDO:0012075, OMIM 608615. Disease mechanism: loss of function.

Submission:

Labcorp Genetics (formerly Invitae), Labcorp
Classification: Pathogenic for Oligodontia-cancer predisposition syndrome. Last evaluated: 2024-01-06. Review status: criteria provided, single submitter. Criteria: Invitae Variant Classification Sherloc (09022015). Collection method: clinical testing. Allele origin: germline.
Comment: This sequence change creates a premature translational stop signal (p.Tyr777*) in the AXIN2 gene. It is expected to result in an absent or disrupted protein product. Loss-of-function variants in AXIN2 are known to be pathogenic (PMID: 15042511, 21416598). This variant is not present in population databases (gnomAD no frequency). This variant has not been reported in the literature in individuals affected with AXIN2-related conditions. ClinVar contains an entry for this variant (Variation ID: 849114). For these reasons, this variant has been classified as Pathogenic.

Literature cited by the submitters: PubMed 15042511; PubMed 21416598.

NM_004655.4(AXIN2):c.2331C>G (p.Tyr777Ter)

Gene: AXIN2 (axin 2; minus strand). Cytogenetic location: 17q24.1.
Variant type: single nucleotide variant.
Coding change: c.2331C>G on transcript NM_004655.4 (MANE Select); coding-DNA position 2331, C replaced by G.
Protein change: p.Tyr777Ter; replaces tyrosine 777 with a stop codon.
Molecular consequence: nonsense.
Genome position (GRCh38, 1-based): chr17:65,533,986, G>C on the plus strand (C>G on the coding strand, the complement: AXIN2 is on the minus strand). VCF-style: chr17-65533986-G-C. GRCh37 (hg19) VCF-style: chr17-63530104-G-C.
Other names: c.2136C>G, p.Tyr712Ter (NM_001363813.1); short protein forms Y777*, Y712*.
Identifiers: ClinVar variation 849114 (VCV000849114.8), dbSNP rs2043866331, ClinGen allele CA400675483.
Genomic context (GRCh38, chr17:65,533,986, plus strand): 5'-TTTGCTGAGCTGCTCTTTAAAGTGGCCCAGGGTCAAGCTCTGAGCCTTCAGCATCCTCCG[G>C]TATGGAATTTCTTCCCCACAGAAAAAGTAAGTGACAACCAACTCACTGGCCTGGAGCGCG-3'